The following is an entry in ClinVar:

ClinVar aggregate classification (germline): Likely benign (1 of 4 stars; one submission).

gnomAD v4.1: 171 of 1,613,846 alleles (0.011%); highest among the groups gnomAD compares: East Asian, 0.25%; 1 homozygote.

Submission:

CeGaT Center for Human Genetics Tuebingen
Classification: Likely benign. Last evaluated: 2025-12-01. Review status: criteria provided, single submitter. Criteria: CeGaT Center For Human Genetics Tuebingen Variant Classification Criteria Version 2. Collection method: clinical testing. Allele origin: germline. Affected: yes. Observed: 1 variant allele.
Comment: DENND5B: BP4, BP7

NM_144973.4(DENND5B):c.2310C>T (p.Thr770=)

Gene: DENND5B (DENN domain containing 5B; minus strand). Cytogenetic location: 12p11.21.
Variant type: single nucleotide variant.
Coding change: c.2310C>T on transcript NM_144973.4 (MANE Select); coding-DNA position 2310, C replaced by T.
Protein change: p.Thr770=; no amino-acid change (threonine 770 retained).
Molecular consequence: synonymous variant.
Genome position (GRCh38, 1-based): chr12:31,424,616, G>A on the plus strand (C>T on the coding strand, the complement: DENND5B is on the minus strand). VCF-style: chr12-31424616-G-A. GRCh37 (hg19) VCF-style: chr12-31577550-G-A.
Other names: c.2415C>T, p.Thr805= (NM_001308339.2).
Identifiers: ClinVar variation 4681527 (VCV004681527.5).
Genomic context (GRCh38, chr12:31,424,616, plus strand): 5'-GCTCCATATCCTCTCCAGCAGGTCACAAAGGCTGGCGATCAAGGTGTTCTCCTCCAGGCC[G>A]GTGATGTTTGCTTCTCCATGGCCAAGTTCCACCGCTTCATGTCCCATCTTCTCCACCAAC-3'
Protein context (NP_659410.3, residues 760-780): VELGHGEANI[Thr770=]GLEENTLIAS